The following is an entry in ClinVar:

NM_018942.3(HMX1):c.983T>C (p.Leu328Pro)

Gene: HMX1 (H6 family homeobox 1; minus strand). Cytogenetic location: 4p16.1.
Variant type: single nucleotide variant.
Coding change: c.983T>C on transcript NM_018942.3 (MANE Select); coding-DNA position 983, T replaced by C.
Protein change: p.Leu328Pro; replaces leucine 328 with proline.
Molecular consequence: missense variant. On other transcripts: intron variant (1).
Genome position (GRCh38, 1-based): chr4:8,867,757, A>G on the plus strand (T>C on the coding strand, the complement: HMX1 is on the minus strand). VCF-style: chr4-8867757-A-G. GRCh37 (hg19) VCF-style: chr4-8869483-A-G.
Other names: c.394+3464T>C (NM_001306142.2); short protein forms L328P.
Identifiers: ClinVar variation 1424177 (VCV001424177.4), dbSNP rs1722054757, ClinGen allele CA356277304.

ClinVar aggregate classification (germline): Uncertain significance (1 of 4 stars; one submission).

Allele frequency attached by ClinVar (database versions not stated): gnomAD exomes below 0.00001; TOPMed below 0.00001.

Submission:

Labcorp Genetics (formerly Invitae), Labcorp
Classification: Uncertain significance. Last evaluated: 2021-11-18. Review status: criteria provided, single submitter. Criteria: Invitae Variant Classification Sherloc (09022015). Collection method: clinical testing. Allele origin: germline.
Comment: In summary, the available evidence is currently insufficient to determine the role of this variant in disease. Therefore, it has been classified as a Variant of Uncertain Significance. Algorithms developed to predict the effect of missense changes on protein structure and function are either unavailable or do not agree on the potential impact of this missense change (SIFT: "Tolerated"; PolyPhen-2: "Possibly Damaging"; Align-GVGD: "Class C0"). This variant has not been reported in the literature in individuals affected with HMX1-related conditions. This variant is not present in population databases (gnomAD no frequency). This sequence change replaces leucine, which is neutral and non-polar, with proline, which is neutral and non-polar, at codon 328 of the HMX1 protein (p.Leu328Pro).